The following is an entry in ClinVar:

NM_030773.4(TUBB1):c.1316C>T (p.Thr439Met)

Gene: TUBB1 (tubulin beta 1 class VI; plus strand). Cytogenetic location: 20q13.32.
Variant type: single nucleotide variant.
Coding change: c.1316C>T on transcript NM_030773.4 (MANE Select); coding-DNA position 1316, C replaced by T.
Protein change: p.Thr439Met; replaces threonine 439 with methionine.
Molecular consequence: missense variant.
Genome position (GRCh38, 1-based): chr20:59,024,743, C>T. VCF-style: chr20-59024743-C-T. GRCh37 (hg19) VCF-style: chr20-57599798-C-T.
Other names: short protein forms T439M.
Identifiers: ClinVar variation 2293087 (VCV002293087.3), dbSNP rs753979060, ClinGen allele CA9928695.

ClinVar aggregate classification (germline): Conflicting classifications of pathogenicity. Review status: criteria provided, conflicting classifications (1 of 4 stars). 2 submissions from 2 submitters: Uncertain significance (1); Likely benign (1). Last evaluated 2025-12-22.

Conditions:
Inborn genetic diseases. Identifiers: MedGen C0950123, MeSH D030342.

Allele frequency attached by ClinVar (database versions not stated): ExAC 0.00004; TOPMed below 0.00001; gnomAD exomes 0.00002.
gnomAD v4.1: 36 of 1,614,020 alleles (0.0022%); highest among the groups gnomAD compares: South Asian, 0.025%; no homozygotes.

Submissions (2):

Labcorp Genetics (formerly Invitae), Labcorp
Classification: Uncertain significance. Last evaluated: 2025-12-22. Review status: criteria provided, single submitter. Criteria: Invitae Variant Classification Sherloc (09022015). Collection method: clinical testing. Allele origin: germline.
Comment: This sequence change replaces threonine, which is neutral and polar, with methionine, which is neutral and non-polar, at codon 439 of the TUBB1 protein (p.Thr439Met). This variant is present in population databases (rs753979060, gnomAD 0.03%). This variant has not been reported in the literature in individuals affected with TUBB1-related conditions. ClinVar contains an entry for this variant (Variation ID: 2293087). An algorithm developed to predict the effect of missense changes on protein structure and function outputs the following: PolyPhen-2: "Benign". The methionine amino acid residue is found in multiple mammalian species, which suggests that this missense change does not adversely affect protein function. In summary, the available evidence is currently insufficient to determine the role of this variant in disease. Therefore, it has been classified as a Variant of Uncertain Significance.

Ambry Genetics
Classification: Likely benign for Inborn genetic diseases. Last evaluated: 2022-05-30. Review status: criteria provided, single submitter. Criteria: Ambry Variant Classification Scheme 2023. Collection method: clinical testing. Allele origin: germline.